The following is an entry in ClinVar:

ClinVar aggregate classification (germline): Uncertain significance. Review status: criteria provided, multiple submitters, no conflicts (2 of 4 stars). 6 submissions from 6 submitters: Uncertain significance (6). Last evaluated 2025-01-20.

Conditions:
IFNGR1-related disorder. Also called: IFNGR1-related condition.
Immunodeficiency 27A (IMD27A). Also called: IMMUNODEFICIENCY 27A, MYCOBACTERIOSIS, AUTOSOMAL RECESSIVE; IFNGR1 DEFICIENCY, AUTOSOMAL RECESSIVE. Identifiers: Orphanet 319569, Orphanet 99898, MedGen C4011949, MONDO:0008856, OMIM 209950.
Autosomal dominant mendelian susceptibility to mycobacterial diseases due to partial IFNgammaR1 deficiency. Also called: Immunodeficiency 27b; IMMUNODEFICIENCY 27B, MYCOBACTERIOSIS, AUTOSOMAL DOMINANT; IFNGR1 DEFICIENCY, AUTOSOMAL DOMINANT. Identifiers: Orphanet 319581, MedGen C4014863, MONDO:0014429, OMIM 615978.
Helicobacter pylori infection, susceptibility to. Identifiers: MedGen C1838332, MONDO:0010853, OMIM 600263.
Disseminated atypical mycobacterial infection. Identifiers: MedGen C0694566.
Inborn genetic diseases. Identifiers: MedGen C0950123, MeSH D030342.

Allele frequency attached by ClinVar (database versions not stated): ExAC 0.00003; gnomAD exomes 0.00003; gnomAD 0.00005; ESP Exome Variant Server 0.00008; TOPMed 0.00008; 1000 Genomes Project 30x 0.00016; 1000 Genomes Project 0.00020.
gnomAD v4.1: 49 of 1,613,848 alleles (0.003%); highest among the groups gnomAD compares: Middle Eastern, 0.066%; no homozygotes.

Submissions (6):

Labcorp Genetics (formerly Invitae), Labcorp
Classification: Uncertain significance for Disseminated atypical mycobacterial infection. Last evaluated: 2025-01-20. Review status: criteria provided, single submitter. Criteria: Invitae Variant Classification Sherloc (09022015). Collection method: clinical testing. Allele origin: germline.
Comment: This sequence change replaces glutamic acid, which is acidic and polar, with lysine, which is basic and polar, at codon 164 of the IFNGR1 protein (p.Glu164Lys). This variant is present in population databases (rs146687518, gnomAD 0.01%). This variant has not been reported in the literature in individuals affected with IFNGR1-related conditions. ClinVar contains an entry for this variant (Variation ID: 355560). Invitae Evidence Modeling of protein sequence and biophysical properties (such as structural, functional, and spatial information, amino acid conservation, physicochemical variation, residue mobility, and thermodynamic stability) indicates that this missense variant is not expected to disrupt IFNGR1 protein function with a negative predictive value of 80%. In summary, the available evidence is currently insufficient to determine the role of this variant in disease. Therefore, it has been classified as a Variant of Uncertain Significance.

PreventionGenetics, part of Exact Sciences
Classification: Uncertain significance for IFNGR1-related condition. Last evaluated: 2023-04-19. Review status: criteria provided, single submitter. Criteria: ACMG Guidelines, 2015. Collection method: clinical testing. Allele origin: germline.
Comment: The IFNGR1 c.490G>A variant is predicted to result in the amino acid substitution p.Glu164Lys. To our knowledge, this variant has not been reported in the literature. This variant is reported in 0.0098% of alleles in individuals of South Asian descent in gnomAD. At this time, the clinical significance of this variant is uncertain due to the absence of conclusive functional and genetic evidence.

Blueprint Genetics
Classification: Uncertain significance. Last evaluated: 2022-06-16. Review status: criteria provided, single submitter. Criteria: ACMG Guidelines, 2015. Collection method: clinical testing. Allele origin: germline.

Department of Pathology and Laboratory Medicine, Sinai Health System
Classification: Uncertain significance for Immunodeficiency 27A; Helicobacter pylori infection, susceptibility to; Autosomal dominant mendelian susceptibility to mycobacterial diseases due to partial IFNgammaR1 deficiency. Last evaluated: 2022-01-28. Review status: criteria provided, single submitter. Criteria: ACMG Guidelines, 2015. Collection method: research. Allele origin: germline.

Ambry Genetics
Classification: Uncertain significance for Inborn genetic diseases. Last evaluated: 2021-07-06. Review status: criteria provided, single submitter. Criteria: Ambry Variant Classification Scheme 2023. Collection method: clinical testing. Allele origin: germline.

Illumina Laboratory Services, Illumina
Classification: Uncertain significance for Immunodeficiency 27A. Last evaluated: 2018-01-13. Review status: criteria provided, single submitter. Criteria: ICSL Variant Classification Criteria 13 December 2019. Collection method: clinical testing. Allele origin: germline.

NM_000416.3(IFNGR1):c.490G>A (p.Glu164Lys)

Gene: IFNGR1 (interferon gamma receptor 1; minus strand). Cytogenetic location: 6q23.3.
Variant type: single nucleotide variant.
Coding change: c.490G>A on transcript NM_000416.3 (MANE Select); coding-DNA position 490, G replaced by A.
Protein change: p.Glu164Lys; replaces glutamic acid 164 with lysine.
Molecular consequence: missense variant.
Genome position (GRCh38, 1-based): chr6:137,204,388, C>T on the plus strand (G>A on the coding strand, the complement: IFNGR1 is on the minus strand). VCF-style: chr6-137204388-C-T. GRCh37 (hg19) VCF-style: chr6-137525525-C-T.
Other names: c.460G>A, p.Glu154Lys (NM_001363526.1); c.367G>A, p.Glu123Lys (NM_001363527.1); short protein forms E164K, E123K, E154K.
Identifiers: ClinVar variation 355560 (VCV000355560.17), dbSNP rs146687518, ClinGen allele CA4018962.